The following is an entry in ClinVar:

NM_015506.3(MMACHC):c.572C>T (p.Ala191Val)

Gene: MMACHC (metabolism of cobalamin associated C; plus strand). Cytogenetic location: 1p34.1.
Variant type: single nucleotide variant.
Coding change: c.572C>T on transcript NM_015506.3 (MANE Select); coding-DNA position 572, C replaced by T.
Protein change: p.Ala191Val; replaces alanine 191 with valine.
Molecular consequence: missense variant.
Genome position (GRCh38, 1-based): chr1:45,508,938, C>T. VCF-style: chr1-45508938-C-T. GRCh37 (hg19) VCF-style: chr1-45974610-C-T.
Other names: c.401C>T, p.Ala134Val (NM_001330540.2); short protein forms A191V, A134V.
Identifiers: ClinVar variation 577085 (VCV000577085.5), dbSNP rs375442063, ClinGen allele CA827797.
Genomic context (GRCh38, chr1:45,508,938, plus strand): 5'-TGCCAGATCTGCCACCCAGAAAACCTCATGACTGTGTACCTACAAGAGCTGACCGTATCG[C>T]CCTACTCGAAGGCTTCAATTTCCACTGGCGTGATTGGACTTACCGGGATGCTGTGACACC-3'
Protein context (NP_056321.2, residues 181-201): DCVPTRADRI[Ala191Val]LLEGFNFHWR

ClinVar aggregate classification (germline): Uncertain significance. Review status: criteria provided, multiple submitters, no conflicts (2 of 4 stars). 3 submissions from 3 submitters: Uncertain significance (3). Last evaluated 2023-04-11.

Conditions:
Cobalamin C disease. Also called: Cobalamin-C methylmalonic acidemia and homocystinuria; Methylmalonic acidemia and homocystinuria cblC type; Methylmalonic aciduria with homocystinuria cblC type; methylmalonic aciduria and homocystinuria type cblC; Methylmalonic aciduria and homocystinuria, Vitamin B12-responsive; Vitamin B12 metabolic defect with combined deficiency of methylmalonyl-CoA mutase and homocysteine:methyltetrahydrofolate methyltransferase. Identifiers: Orphanet 26, Orphanet 79282, MedGen C1848561, MONDO:0010184, OMIM 277400.

Allele frequency attached by ClinVar (database versions not stated): gnomAD exomes 0.00002; TOPMed 0.00002.
gnomAD v4.1: 35 of 1,614,088 alleles (0.0022%); highest among the groups gnomAD compares: Non-Finnish European, 0.0027%; no homozygotes.

Submissions (3):

Genome-Nilou Lab
Classification: Uncertain significance for Cobalamin C disease. Last evaluated: 2023-04-11. Review status: criteria provided, single submitter. Criteria: ACMG Guidelines, 2015. Collection method: clinical testing. Allele origin: germline. Affected: no.

Fulgent Genetics
Classification: Uncertain significance for Cobalamin C disease. Last evaluated: 2021-12-29. Review status: criteria provided, single submitter. Criteria: ACMG Guidelines, 2015. Collection method: clinical testing. Allele origin: unknown.

Labcorp Genetics (formerly Invitae), Labcorp
Classification: Uncertain significance for Cobalamin C disease. Last evaluated: 2021-08-31. Review status: criteria provided, single submitter. Criteria: Invitae Variant Classification Sherloc (09022015). Collection method: clinical testing. Allele origin: germline.
Comment: This sequence change replaces alanine with valine at codon 191 of the MMACHC protein (p.Ala191Val). The alanine residue is weakly conserved and there is a small physicochemical difference between alanine and valine. This variant is present in population databases (rs375442063, ExAC 0.001%). This variant has not been reported in the literature in individuals affected with MMACHC-related conditions. Algorithms developed to predict the effect of missense changes on protein structure and function (SIFT, PolyPhen-2, Align-GVGD) all suggest that this variant is likely to be tolerated. In summary, the available evidence is currently insufficient to determine the role of this variant in disease. Therefore, it has been classified as a Variant of Uncertain Significance.